The following is an entry in ClinVar:

NM_014014.5(SNRNP200):c.4814G>A (p.Ser1605Asn)

Gene: SNRNP200 (small nuclear ribonucleoprotein U5 subunit 200; minus strand). Cytogenetic location: 2q11.2.
Variant type: single nucleotide variant.
Coding change: c.4814G>A on transcript NM_014014.5 (MANE Select); coding-DNA position 4814, G replaced by A.
Protein change: p.Ser1605Asn; replaces serine 1605 with asparagine.
Molecular consequence: missense variant.
Genome position (GRCh38, 1-based): chr2:96,283,302, C>T on the plus strand (G>A on the coding strand, the complement: SNRNP200 is on the minus strand). VCF-style: chr2-96283302-C-T. GRCh37 (hg19) VCF-style: chr2-96949040-C-T.
Other names: short protein forms S1605N.
Identifiers: ClinVar variation 1501567 (VCV001501567.8), dbSNP rs2104339345, ClinGen allele CA347663474.

ClinVar aggregate classification (germline): Uncertain significance (1 of 4 stars; one submission).

Submission:

Labcorp Genetics (formerly Invitae), Labcorp
Classification: Uncertain significance. Last evaluated: 2024-10-15. Review status: criteria provided, single submitter. Criteria: Invitae Variant Classification Sherloc (09022015). Collection method: clinical testing. Allele origin: germline.
Comment: This sequence change replaces serine, which is neutral and polar, with asparagine, which is neutral and polar, at codon 1605 of the SNRNP200 protein (p.Ser1605Asn). This variant is not present in population databases (gnomAD no frequency). This variant has not been reported in the literature in individuals affected with SNRNP200-related conditions. ClinVar contains an entry for this variant (Variation ID: 1501567). Invitae Evidence Modeling of protein sequence and biophysical properties (such as structural, functional, and spatial information, amino acid conservation, physicochemical variation, residue mobility, and thermodynamic stability) indicates that this missense variant is not expected to disrupt SNRNP200 protein function with a negative predictive value of 95%. In summary, the available evidence is currently insufficient to determine the role of this variant in disease. Therefore, it has been classified as a Variant of Uncertain Significance.